The following is an entry in ClinVar:

NM_001142800.2(EYS):c.2398G>T (p.Gly800Ter)

Gene: EYS (EGF-like photoreceptor maintenance factor; minus strand). Cytogenetic location: 6q12.
Variant type: single nucleotide variant.
Coding change: c.2398G>T on transcript NM_001142800.2 (MANE Select); coding-DNA position 2398, G replaced by T.
Protein change: p.Gly800Ter; replaces glycine 800 with a stop codon.
Molecular consequence: nonsense.
Genome position (GRCh38, 1-based): chr6:64,912,727, C>A on the plus strand (G>T on the coding strand, the complement: EYS is on the minus strand). VCF-style: chr6-64912727-C-A. GRCh37 (hg19) VCF-style: chr6-65622620-C-A.
Other names: c.2398G>T, p.Gly800Ter (NM_001292009.2); short protein forms G800*.
Identifiers: ClinVar variation 3722548 (VCV003722548.2).

ClinVar aggregate classification (germline): Pathogenic (1 of 4 stars; one submission).

Submission:

Labcorp Genetics (formerly Invitae), Labcorp
Classification: Pathogenic. Last evaluated: 2024-10-09. Review status: criteria provided, single submitter. Criteria: Invitae Variant Classification Sherloc (09022015). Collection method: clinical testing. Allele origin: germline.
Comment: This sequence change creates a premature translational stop signal (p.Gly800*) in the EYS gene. It is expected to result in an absent or disrupted protein product. Loss-of-function variants in EYS are known to be pathogenic (PMID: 18836446, 20333770). This variant is not present in population databases (gnomAD no frequency). This variant has not been reported in the literature in individuals affected with EYS-related conditions. For these reasons, this variant has been classified as Pathogenic.

Literature cited by the submitters: PubMed 18836446; PubMed 20333770.